The following is an entry in ClinVar:

ClinVar aggregate classification (germline): Likely benign (0 of 4 stars; one submission).

Conditions:
GTF2IRD1-related disorder. Also called: GTF2IRD1-related condition.

Allele frequency attached by ClinVar (database versions not stated): gnomAD 0.00001; gnomAD exomes 0.00001; TOPMed 0.00001; ExAC 0.00002.
gnomAD v4.1: 16 of 1,614,016 alleles (0.00099%); highest among the groups gnomAD compares: South Asian, 0.0022%; no homozygotes.

Submission:

PreventionGenetics, part of Exact Sciences
Classification: Likely benign for GTF2IRD1-related condition. Last evaluated: 2019-03-22. Review status: no assertion criteria provided. Collection method: clinical testing. Allele origin: germline.
Comment: This variant is classified as likely benign based on ACMG/AMP sequence variant interpretation guidelines (Richards et al. 2015 PMID: 25741868, with internal and published modifications).

NM_005685.4(GTF2IRD1):c.2211C>T (p.Phe737=)

Gene: GTF2IRD1 (GTF2I repeat domain containing 1; plus strand). Cytogenetic location: 7q11.23.
Variant type: single nucleotide variant.
Coding change: c.2211C>T on transcript NM_005685.4 (MANE Select); coding-DNA position 2211, C replaced by T.
Protein change: p.Phe737=; no amino-acid change (phenylalanine 737 retained).
Molecular consequence: synonymous variant.
Genome position (GRCh38, 1-based): chr7:74,558,964, C>T. VCF-style: chr7-74558964-C-T. GRCh37 (hg19) VCF-style: chr7-73973294-C-T.
Other names: c.2307C>T, p.Phe769= (NM_001199207.2); c.2211C>T, p.Phe737= (NM_001410888.1); c.2256C>T, p.Phe752= (NM_016328.3).
Identifiers: ClinVar variation 3058513 (VCV003058513.2), dbSNP rs782089689, ClinGen allele CA4297205.